The following is an entry in ClinVar:

NM_000179.3(MSH6):c.1616T>C (p.Leu539Pro)

Gene: MSH6 (mutS homolog 6; plus strand). Cytogenetic location: 2p16.3.
Variant type: single nucleotide variant.
Coding change: c.1616T>C on transcript NM_000179.3 (MANE Select); coding-DNA position 1616, T replaced by C.
Protein change: p.Leu539Pro; replaces leucine 539 with proline.
Molecular consequence: missense variant.
Genome position (GRCh38, 1-based): chr2:47,799,599, T>C. VCF-style: chr2-47799599-T-C. GRCh37 (hg19) VCF-style: chr2-48026738-T-C.
Other names: c.1226T>C, p.Leu409Pro (NM_001281492.2); c.710T>C, p.Leu237Pro (NM_001281493.2, NM_001281494.2, NM_001406811.1 and 6 more transcripts); c.1712T>C, p.Leu571Pro (NM_001406795.1, NM_001406802.1); c.1616T>C, p.Leu539Pro (NM_001406796.1, NM_001406798.1, NM_001406800.1 and 3 more transcripts); c.1319T>C, p.Leu440Pro (NM_001406797.1, NM_001406801.1, NM_001406805.1 and 10 more transcripts); c.1091T>C, p.Leu364Pro (NM_001406799.1, NM_001406806.1, NM_001406807.1); c.1538T>C, p.Leu513Pro (NM_001406804.1); c.1622T>C, p.Leu541Pro (NM_001406813.1); and 1 more; short protein forms L409P, L364P, L440P, L483P, L541P, L571P, L237P, L513P.
Identifiers: ClinVar variation 1776503 (VCV001776503.2), dbSNP rs1422865375, ClinGen allele CA346747049.
Genomic context (GRCh38, chr2:47,799,599, plus strand): 5'-AGGGTACACAGACTTACAGTGTGCTGGAAGGTGATCCCTCTGAGAACTACAGTAAGTATC[T>C]TCTTAGCCTCAAAGAAAAAGAGGAAGATTCTTCTGGCCATACTCGTGCATATGGTGTGTG-3'
Protein context (NP_000170.1, residues 529-549): GDPSENYSKY[Leu539Pro]LSLKEKEEDS

ClinVar aggregate classification (germline): Uncertain significance (1 of 4 stars; one submission).

Conditions:
Hereditary cancer-predisposing syndrome. Also called: Neoplastic Syndromes, Hereditary; Tumor predisposition; Hereditary Cancer Syndrome; Hereditary neoplastic syndrome. Identifiers: Orphanet 140162, MedGen C0027672, MeSH D009386, MONDO:0015356.

Submission:

Ambry Genetics
Classification: Uncertain significance for Hereditary cancer-predisposing syndrome. Last evaluated: 2022-03-15. Review status: criteria provided, single submitter. Criteria: Ambry Variant Classification Scheme 2023. Collection method: clinical testing. Allele origin: germline.
Comment: The p.L539P variant (also known as c.1616T>C), located in coding exon 4 of the MSH6 gene, results from a T to C substitution at nucleotide position 1616. The leucine at codon 539 is replaced by proline, an amino acid with similar properties. This amino acid position is highly conserved in available vertebrate species. In addition, this alteration is predicted to be deleterious by in silico analysis. Since supporting evidence is limited at this time, the clinical significance of this alteration remains unclear.